The following is an entry in ClinVar:

ClinVar aggregate classification (germline): Uncertain significance/Uncertain risk allele. Review status: criteria provided, multiple submitters, no conflicts (2 of 4 stars). 5 submissions from 5 submitters: Uncertain significance (4); Uncertain risk allele (1). Last evaluated 2025-09-21.

Conditions:
Wolfram syndrome 1 (WFS1). Identifiers: Orphanet 3463, MedGen C4551693, MONDO:0009101, OMIM 222300.
WFS1-Related Spectrum Disorders.
Autosomal dominant nonsyndromic hearing loss 6 (LFSNHL). Also called: Autosomal dominant nonsyndromic deafness 6; DEAFNESS, AUTOSOMAL DOMINANT 6; DEAFNESS, AUTOSOMAL DOMINANT 14; DEAFNESS, AUTOSOMAL DOMINANT 38. Identifiers: Orphanet 90635, MedGen C1833021, MONDO:0010963, OMIM 600965.
Wolfram-like syndrome. Also called: HEARING LOSS, PROGRESSIVE, WITH OPTIC ATROPHY AND/OR IMPAIRED GLUCOSE REGULATION. Identifiers: Orphanet 411590, MedGen C3280358, MONDO:0013673, OMIM 614296.
Inborn genetic diseases. Identifiers: MedGen C0950123, MeSH D030342.
Type 2 diabetes mellitus. Also called: Type II diabetes mellitus. Identifiers: MedGen C0011860, MeSH D003924, MONDO:0005148, OMIM 125853, HP:0005978.
Cataract 41 (CTRCT41). Also called: CATARACT 41, CONGENITAL NUCLEAR TYPE. Identifiers: Orphanet 91492, Orphanet 98991, Orphanet 98992, Orphanet 98995, MedGen C3805412, MONDO:0007287, OMIM 116400.

Allele frequency attached by ClinVar (database versions not stated): ExAC 0.00001; gnomAD 0.00001; gnomAD exomes 0.00001 and 0.00002; TOPMed 0.00002.
gnomAD v4.1: 6 of 1,613,316 alleles (0.00037%); highest among the groups gnomAD compares: Admixed American, 0.01%; no homozygotes.

Submissions (5):

Labcorp Genetics (formerly Invitae), Labcorp
Classification: Uncertain significance. Last evaluated: 2025-09-21. Review status: criteria provided, single submitter. Criteria: Invitae Variant Classification Sherloc (09022015). Collection method: clinical testing. Allele origin: germline.
Comment: This sequence change replaces lysine, which is basic and polar, with arginine, which is basic and polar, at codon 239 of the WFS1 protein (p.Lys239Arg). This variant is present in population databases (rs727503747, gnomAD 0.009%). This variant has not been reported in the literature in individuals affected with WFS1-related conditions. ClinVar contains an entry for this variant (Variation ID: 166574). Invitae Evidence Modeling of protein sequence and biophysical properties (such as structural, functional, and spatial information, amino acid conservation, physicochemical variation, residue mobility, and thermodynamic stability) indicates that this missense variant is not expected to disrupt WFS1 protein function with a negative predictive value of 95%. Algorithms developed to predict the effect of sequence changes on RNA splicing suggest that this variant may create or strengthen a splice site. In summary, the available evidence is currently insufficient to determine the role of this variant in disease. Therefore, it has been classified as a Variant of Uncertain Significance.

Ambry Genetics
Classification: Uncertain significance for Inborn genetic diseases. Last evaluated: 2022-01-12. Review status: criteria provided, single submitter. Criteria: Ambry Variant Classification Scheme 2023. Collection method: clinical testing. Allele origin: germline.

Fulgent Genetics
Classification: Uncertain significance for Cataract 41; Type 2 diabetes mellitus; Wolfram syndrome 1; Autosomal dominant nonsyndromic hearing loss 6; Wolfram-like syndrome. Last evaluated: 2021-09-15. Review status: criteria provided, single submitter. Criteria: ACMG Guidelines, 2015. Collection method: clinical testing. Allele origin: unknown.

Laboratory for Molecular Medicine, Mass General Brigham Personalized Medicine
Classification: Uncertain significance. Last evaluated: 2017-09-29. Review status: criteria provided, single submitter. Criteria: LMM Criteria. Collection method: clinical testing. Allele origin: germline. Observed: 2 variant alleles.
Comment: The p.Lys239Arg variant in WFS1 has not been previously reported in any other fa milies with hearing loss or in any individuals with WFS1-related disorders. This variant has also been identified in 3/33580 Latino chromosomes by the Genome Ag gregation Database (gnomAD; dbSNP rs727503747) ; however its frequency is not high enough to rule out a pathogenic role. Comput ational prediction tools and conservation analyses do not provide strong support for or against an impact to the protein. In summary, the clinical significance of the p.Lys239Arg variant is uncertain. ACMG/AMP Criteria applied: PM2; BP4 (Ri chards 2015).

Clinical Genomics, Uppaluri K&H Personalized Medicine Clinic
Classification: Uncertain risk allele for Wolfram syndrome 1. Review status: criteria provided, single submitter. Criteria: K & H Uppaluri Personalized Medicine Clinic Variant Classification & Assertion Criteria_Updated V.1. Collection method: research. Allele origin: unknown. Inheritance: Autosomal recessive inheritance.
Comment: Potent mutations in WFS1 gene are associated with Wolfram's syndrome, an autosomal recessive condition, which cause diabetes mellitus, diabetes insipidus, deafness and optic atrophy. However no sufficient evidence is found to ascertain the role of this particular variant rs727503747 in Wolfram's syndrome yet.

Literature cited by the submitters: PubMed 20738327 (cited by Clinical Genomics, Uppaluri K&H Personalized Medicine Clinic); PubMed 33879153 (cited by Clinical Genomics, Uppaluri K&H Personalized Medicine Clinic); PubMed 12955714 (cited by Clinical Genomics, Uppaluri K&H Personalized Medicine Clinic); PubMed 18060660 (cited by Clinical Genomics, Uppaluri K&H Personalized Medicine Clinic); PubMed 20301750 (cited by Clinical Genomics, Uppaluri K&H Personalized Medicine Clinic); PubMed 17603484 (cited by Clinical Genomics, Uppaluri K&H Personalized Medicine Clinic).

NM_006005.3(WFS1):c.716A>G (p.Lys239Arg)

Gene: WFS1 (wolframin ER transmembrane glycoprotein; plus strand). Cytogenetic location: 4p16.1.
Variant type: single nucleotide variant.
Coding change: c.716A>G on transcript NM_006005.3 (MANE Select); coding-DNA position 716, A replaced by G.
Protein change: p.Lys239Arg; replaces lysine 239 with arginine.
Molecular consequence: missense variant.
Genome position (GRCh38, 1-based): chr4:6,295,044, A>G. VCF-style: chr4-6295044-A-G. GRCh37 (hg19) VCF-style: chr4-6296771-A-G.
Other names: c.716A>G, p.Lys239Arg (NM_001145853.1); short protein forms K239R.
Identifiers: ClinVar variation 166574 (VCV000166574.18), dbSNP rs727503747, ClinGen allele CA179633.